The following is an entry in ClinVar:

NM_001042492.3(NF1):c.4417G>A (p.Asp1473Asn)

Gene: NF1 (neurofibromin 1; plus strand). Cytogenetic location: 17q11.2.
Variant type: single nucleotide variant.
Coding change: c.4417G>A on transcript NM_001042492.3 (MANE Select); coding-DNA position 4417, G replaced by A.
Protein change: p.Asp1473Asn; replaces aspartic acid 1473 with asparagine.
Molecular consequence: missense variant.
Genome position (GRCh38, 1-based): chr17:31,259,116, G>A. VCF-style: chr17-31259116-G-A. GRCh37 (hg19) VCF-style: chr17-29586134-G-A.
Other names: c.4354G>A, p.Asp1452Asn (NM_000267.4); short protein forms D1452N, D1473N.
Identifiers: ClinVar variation 141491 (VCV000141491.10), dbSNP rs587781790, ClinGen allele CA165601.

ClinVar aggregate classification (germline): Uncertain significance. Review status: criteria provided, multiple submitters, no conflicts (2 of 4 stars). 4 submissions from 3 submitters: Uncertain significance (4). Last evaluated 2025-02-19.

Conditions:
Neurofibromatosis, type 1 (NF1). Also called: VON RECKLINGHAUSEN DISEASE; Neurofibromatosis, type I; NEUROFIBROMATOSIS, TYPE I, SOMATIC; Peripheral type neurofibromatosis. Identifiers: Orphanet 636, MedGen C0027831, MONDO:0018975, OMIM 162200. Disease mechanism: loss of function.
Hereditary cancer-predisposing syndrome. Also called: Neoplastic Syndromes, Hereditary; Hereditary Cancer Syndrome; Hereditary neoplastic syndrome; Tumor predisposition. Identifiers: Orphanet 140162, MedGen C0027672, MeSH D009386, MONDO:0015356.
Cardiovascular phenotype. Identifiers: MedGen CN230736.

Allele frequency attached by ClinVar (database versions not stated): gnomAD exomes below 0.00001; gnomAD 0.00001; TOPMed 0.00001.
gnomAD v4.1: 1 of 1,600,364 alleles (0.000062%); highest among the groups gnomAD compares: African/African-American, 0.0013%; no homozygotes.

Submissions (4):

Labcorp Genetics (formerly Invitae), Labcorp
Classification: Uncertain significance for Neurofibromatosis, type 1. Last evaluated: 2025-02-19. Review status: criteria provided, single submitter. Criteria: Invitae Variant Classification Sherloc (09022015). Collection method: clinical testing. Allele origin: germline.
Comment: This sequence change replaces aspartic acid, which is acidic and polar, with asparagine, which is neutral and polar, at codon 1452 of the NF1 protein (p.Asp1452Asn). This variant is present in population databases (rs587781790, gnomAD 0.007%). This variant has not been reported in the literature in individuals affected with NF1-related conditions. ClinVar contains an entry for this variant (Variation ID: 141491). Invitae Evidence Modeling of protein sequence and biophysical properties (such as structural, functional, and spatial information, amino acid conservation, physicochemical variation, residue mobility, and thermodynamic stability) indicates that this missense variant is expected to disrupt NF1 protein function with a positive predictive value of 80%. In summary, the available evidence is currently insufficient to determine the role of this variant in disease. Therefore, it has been classified as a Variant of Uncertain Significance.

Genome-Nilou Lab
Classification: Uncertain significance for Neurofibromatosis, type 1. Last evaluated: 2022-03-15. Review status: criteria provided, single submitter. Criteria: ACMG Guidelines, 2015. Collection method: clinical testing. Allele origin: germline. Affected: no.

Ambry Genetics
Classification: Uncertain significance for Cardiovascular phenotype; Hereditary cancer-predisposing syndrome. Last evaluated: 2021-07-06. Review status: criteria provided, single submitter. Criteria: Ambry Variant Classification Scheme 2023. Collection method: clinical testing. Allele origin: germline.

Ambry Genetics
Classification: Uncertain significance for Hereditary cancer-predisposing syndrome. Last evaluated: 2014-02-24. Review status: criteria provided, single submitter. Criteria: Ambry Autosomal Dominant and X-Linked criteria (10/2015). Collection method: clinical testing. Allele origin: germline. Observed: 1 variant allele.
Comment: The p.D1473N variant (also known as c.4417G>A), located in coding exon 33 of the NF1 gene, results from a G to A substitution at nucleotide position 4417. The aspartic acid at codon 1473 is replaced by asparagine, an amino acid with highly similar properties. This variant was not reported in population based cohorts in the following databases: Database of Single Nucleotide Polymorphisms (dbSNP), NHLBI Exome Sequencing Project (ESP), and 1000 Genomes Project.To date, this alteration has been detected with an allele frequency of approximately 0.66% (greater than 150 alleles tested) in our clinical cohort (includes this individual). Based on protein sequence alignment, thisamino acid position is highly conserved in available vertebrate species. In addition, the in silico prediction for this alteration is inconclusive.Since supporting evidence is limited at this time, the clinical significance ofp.D1473Nremains unclear.